The following is an entry in ClinVar:

ClinVar aggregate classification (germline): Pathogenic (1 of 4 stars; one submission).

Submission:

Athena Diagnostics
Classification: Pathogenic. Last evaluated: 2022-06-10. Review status: criteria provided, single submitter. Criteria: Athena Diagnostics Criteria. Collection method: clinical testing. Allele origin: unknown.
Comment: This variant is expected to result in the loss of a functional protein. Multiple unrelated individuals with Duchenne muscular dystrophy (DMD) have been reported with similar deletions of exons 46-53. Similar deletions have not been reported in large, multi-ethnic general populations (Genome Aggregation Database (gnomAD), Cambridge, MA (URL)).

Literature cited by the submitters: PubMed 19937601; PubMed 17561468; PubMed 18752307; PubMed 17854090; PubMed 1618490; PubMed 17259292; PubMed 31705731; PubMed 16049303; PubMed 2491010; PubMed 1427789; PubMed 2810338; PubMed 19367636; PubMed 33101180; PubMed 31381525; PubMed 34327855; PubMed 25972034; PubMed 33238405; PubMed 34149409; PubMed 21515508; PubMed 32194622; PubMed 31139960; PubMed 23438214; PubMed 15684864; PubMed 20485447.

Single allele

Gene: DMD (dystrophin; minus strand). Cytogenetic location: Xp21.1.
Variant type: Deletion.
Identifiers: ClinVar variation 1807252 (VCV001807252.1).